The following is an entry in ClinVar:

NM_001267550.2(TTN):c.98389A>G (p.Asn32797Asp)

Genes: TTN (titin; minus strand), TTN-AS1 (TTN antisense RNA 1; plus strand). Cytogenetic location: 2q31.2.
Variant type: single nucleotide variant.
Coding change: c.98389A>G on transcript NM_001267550.2 (MANE Select); coding-DNA position 98389, A replaced by G.
Protein change: p.Asn32797Asp; replaces asparagine 32797 with aspartic acid.
Molecular consequence: missense variant. On other transcripts: non-coding transcript variant (1).
Genome position (GRCh38, 1-based): chr2:178,539,676, T>C on the plus strand (A>G on the coding strand, the complement: TTN is on the minus strand). VCF-style: chr2-178539676-T-C. GRCh37 (hg19) VCF-style: chr2-179404403-T-C.
Other names: c.93466A>G, p.Asn31156Asp (NM_001256850.1); c.71194A>G, p.Asn23732Asp (NM_003319.4); c.90685A>G, p.Asn30229Asp (NM_133378.4); c.71569A>G, p.Asn23857Asp (NM_133432.3); c.71770A>G, p.Asn23924Asp (NM_133437.4); short protein forms N30229D, N32797D, N31156D, N23857D, N23732D, N23924D.
Identifiers: ClinVar variation 192199 (VCV000192199.1), dbSNP rs786205343, ClinGen allele CA200061.

ClinVar aggregate classification (germline): Benign (1 of 4 stars; one submission).

Submission:

Biesecker Lab/Clinical Genomics Section, National Institutes of Health
Classification: Benign. Last evaluated: 2013-06-24. Review status: criteria provided, single submitter. Criteria: Ng et al. (Circ Cardiovasc Genet. 2013). Collection method: research. Allele origin: unknown. Observed: 11 variant alleles. Study: ClinSeq.
Comment: The study set was not selected for affection status in relation to any cancer. Pathogenicity categories were based on literature curation. See Pubmed ID:23861362 for details.

Medical sequencing